The following is an entry in ClinVar:

NM_000393.5(COL5A2):c.4089T>G (p.Gly1363=)

Gene: COL5A2 (collagen type V alpha 2 chain; minus strand). Cytogenetic location: 2q32.2.
Variant type: single nucleotide variant.
Coding change: c.4089T>G on transcript NM_000393.5 (MANE Select); coding-DNA position 4089, T replaced by G.
Protein change: p.Gly1363=; no amino-acid change (glycine 1363 retained).
Molecular consequence: synonymous variant.
Genome position (GRCh38, 1-based): chr2:189,036,640, A>C on the plus strand (T>G on the coding strand, the complement: COL5A2 is on the minus strand). VCF-style: chr2-189036640-A-C. GRCh37 (hg19) VCF-style: chr2-189901366-A-C.
Other names: c.4089T>G (NM_000393.3).
Identifiers: ClinVar variation 1563375 (VCV001563375.10), dbSNP rs753760854, ClinGen allele CA2021864.
Genomic context (GRCh38, chr2:189,036,640, plus strand): 5'-TAAAGAATACAATTTTAAGTAAACATATTAAATTACCTGAGACCCTCTGTTCATATCAAG[A>C]CCATACCAAACAGGTTTATTGTCAGGAGATTTACTGGCCCACCAGGTTTTACGTGGTACA-3'
Protein context (NP_000384.2, residues 1353-1373): KSPDNKPVWY[Gly1363=]LDMNRGSQFA

ClinVar aggregate classification (germline): Likely benign. Review status: criteria provided, multiple submitters, no conflicts (2 of 4 stars). 3 submissions from 3 submitters: Likely benign (3). Last evaluated 2026-08-01.

Conditions:
Ehlers-Danlos syndrome, classic type, 1 (EDSCL1). Also called: EHLERS-DANLOS SYNDROME, GRAVIS TYPE; EHLERS-DANLOS SYNDROME, SEVERE CLASSIC TYPE; Ehlers-Danlos syndrome, type 1; Ehlers-Danlos Syndrome, Classic Type, COL5A1-Related; EDS I. Identifiers: MedGen C0268335, MONDO:0019567, OMIM 130000.
Familial thoracic aortic aneurysm and aortic dissection (TAAD). Also called: Thoracic aortic aneurysms and dissections. Identifiers: Orphanet 91387, MedGen C4707243, MONDO:0019625.

Allele frequency attached by ClinVar (database versions not stated): gnomAD 0.00001; gnomAD exomes 0.00001; TOPMed 0.00001; ExAC 0.00002.
gnomAD v4.1: 16 of 1,613,544 alleles (0.00099%); highest among the groups gnomAD compares: Non-Finnish European, 0.0014%; no homozygotes.

Submissions (3):

CeGaT Center for Human Genetics Tuebingen
Classification: Likely benign. Last evaluated: 2026-08-01. Review status: criteria provided, single submitter. Criteria: CeGaT Center For Human Genetics Tuebingen Variant Classification Criteria Version 2. Collection method: clinical testing. Allele origin: germline. Affected: yes. Observed: 1 variant allele.
Comment: COL5A2: BP4, BP7

Ambry Genetics
Classification: Likely benign for Familial thoracic aortic aneurysm and aortic dissection. Last evaluated: 2025-07-24. Review status: criteria provided, single submitter. Criteria: Ambry Variant Classification Scheme 2023. Collection method: clinical testing. Allele origin: germline.

Labcorp Genetics (formerly Invitae), Labcorp
Classification: Likely benign for Ehlers-Danlos syndrome, classic type, 1. Last evaluated: 2025-07-22. Review status: criteria provided, single submitter. Criteria: Invitae Variant Classification Sherloc (09022015). Collection method: clinical testing. Allele origin: germline.